The following is an entry in ClinVar:

NM_014946.4(SPAST):c.120_121delinsAA (p.Pro41Thr)

Gene: SPAST (spastin; plus strand). Cytogenetic location: 2p22.3.
Variant type: Indel.
Coding change: c.120_121delinsAA on transcript NM_014946.4 (MANE Select); coding-DNA positions 120 to 121, TC replaced by AA.
Protein change: p.Pro41Thr; replaces proline 41 with threonine.
Molecular consequence: missense variant.
Genome position (GRCh38, 1-based): chr2:32,063,951-32,063,952, TC replaced by AA. VCF-style: chr2-32063951-TC-AA. GRCh37 (hg19) VCF-style: chr2-32289020-TC-AA.
Other names: c.120_121delinsAA, p.Pro41Thr (NM_001363823.2, NM_001363875.2, NM_001377959.1 and 1 more transcripts); short protein forms P41T.
Identifiers: ClinVar variation 3010987 (VCV003010987.3), dbSNP rs2465680573, ClinGen allele CA2740092819.
Genomic context (GRCh38, chr2:32,063,951, plus strand): 5'-GCCTCCCAGGCCTCCGCCCCCTTGCCTGGCCCCCGCCCCTCCCGCCGCCGGGCCGGCCCC[TC>AA]CGCCCGAGTCGCCGCATAAGCGGAACCTGTACTATTTCTCCTACCCGCTGTTTGTAGGCT-3'
Protein context (NP_055761.2, residues 31-51): PAPPAAGPAP[Pro41Thr]PESPHKRNLY

ClinVar aggregate classification (germline): Uncertain significance (1 of 4 stars; one submission).

Conditions:
Hereditary spastic paraplegia 4. Also called: Spastic Paraplegia 4; Familial spastic paraplegia autosomal dominant 2; Spastic paraplegia 4, autosomal dominant. Identifiers: Orphanet 100985, MedGen C1866855, MONDO:0008438, OMIM 182601.

Submission:

Labcorp Genetics (formerly Invitae), Labcorp
Classification: Uncertain significance for Hereditary spastic paraplegia 4. Last evaluated: 2025-10-17. Review status: criteria provided, single submitter. Criteria: Invitae Variant Classification Sherloc (09022015). Collection method: clinical testing. Allele origin: germline.
Comment: This sequence change replaces proline, which is neutral and non-polar, with threonine, which is neutral and polar, at codon 41 of the SPAST protein (p.Pro41Thr). Information on the frequency of this variant in the gnomAD database is not available, as this variant may be reported differently in the database. This variant has not been reported in the literature in individuals affected with SPAST-related conditions. ClinVar contains an entry for this variant (Variation ID: 3010987). Experimental studies and prediction algorithms are not available or were not evaluated, and the functional significance of this variant is currently unknown. In summary, the available evidence is currently insufficient to determine the role of this variant in disease. Therefore, it has been classified as a Variant of Uncertain Significance.